The following is an entry in ClinVar:

ClinVar aggregate classification (germline): Uncertain significance; other. Review status: no assertion criteria provided (0 of 4 stars). 2 submissions from 2 submitters: Uncertain significance (1). Last evaluated 2019-08-20.

Conditions:
Pendred syndrome (PDS). Also called: DEAFNESS WITH GOITER; GOITER-DEAFNESS SYNDROME; HYPOTHYROIDISM, CONGENITAL, DUE TO DYSHORMONOGENESIS, 2B; Pendred's syndrome; Pendred Syndrome (PDS); THYROID DYSHORMONOGENESIS 2B. Identifiers: Orphanet 705, MedGen C0271829, MONDO:0010134, OMIM 274600.
Autosomal recessive nonsyndromic hearing loss 4 (DFNB4). Also called: Enlarged vestibular aqueduct, digenic; FOXI1-Related Pendred Syndrome; KCNJ10-Related Pendred Syndrome; NEUROSENSORY NONSYNDROMIC RECESSIVE DEAFNESS 4; Deafness, autosomal recessive 4, with enlarged vestibular aqueduct; Deafness, autosomal recessive 4. Identifiers: Orphanet 90636, MedGen C3538946, MONDO:0010933, OMIM 600791.

Allele frequency attached by ClinVar (database versions not stated): TOPMed 0.00001.
gnomAD v4.1: 7 of 1,613,884 alleles (0.00043%); highest among the groups gnomAD compares: Admixed American, 0.0017%; no homozygotes.

Submissions (2):

National Institute of Sensory Organs, National Hospital Organization Tokyo Medical Center
Classification: other for Autosomal recessive nonsyndromic hearing loss 4. Last evaluated: 2019-08-20. Review status: no assertion criteria provided. Collection method: literature only, in vitro. Allele origin: germline. Inheritance: Autosomal recessive inheritance. Affected: yes. Functional consequence: functionally_normal.
Comment: Benign effect in vitro experiment

Counsyl
Classification: Uncertain significance for Pendred syndrome. Last evaluated: 2017-02-03. Review status: no assertion criteria provided. Collection method: clinical testing. Allele origin: unknown.

Literature cited by the submitters: PubMed 23918157 (cited by National Institute of Sensory Organs, National Hospital Organization Tokyo Medical Center and Counsyl); PubMed 27771369 (cited by National Institute of Sensory Organs, National Hospital Organization Tokyo Medical Center and Counsyl); PubMed 31599023 (cited by National Institute of Sensory Organs, National Hospital Organization Tokyo Medical Center).

NM_000441.2(SLC26A4):c.487G>A (p.Val163Ile)

Gene: SLC26A4 (solute carrier family 26 member 4; plus strand). Cytogenetic location: 7q22.3.
Variant type: single nucleotide variant.
Coding change: c.487G>A on transcript NM_000441.2 (MANE Select); coding-DNA position 487, G replaced by A.
Protein change: p.Val163Ile; replaces valine 163 with isoleucine.
Molecular consequence: missense variant.
Genome position (GRCh38, 1-based): chr7:107,674,235, G>A. VCF-style: chr7-107674235-G-A. GRCh37 (hg19) VCF-style: chr7-107314680-G-A.
Other names: short protein forms V163I.
Identifiers: ClinVar variation 550607 (VCV000550607.7), dbSNP rs200229408, ClinGen allele CA4432494.